The following is an entry in ClinVar:

ClinVar aggregate classification (germline): Likely benign. Review status: criteria provided, multiple submitters, no conflicts (2 of 4 stars). 2 submissions from 2 submitters: Likely benign (2). Last evaluated 2026-07-07.

Conditions:
NPHS1-related disorder. Also called: NPHS1-related condition.

Allele frequency attached by ClinVar (database versions not stated): gnomAD 0.00004 and 0.00006; TOPMed 0.00005; gnomAD exomes 0.00010 and 0.00011; ExAC 0.00012; ESP Exome Variant Server 0.00015.
gnomAD v4.1: 149 of 1,613,944 alleles (0.0092%); highest among the groups gnomAD compares: South Asian, 0.034%; no homozygotes.

Submissions (2):

PreventionGenetics, part of Exact Sciences
Classification: Likely benign for NPHS1-related condition. Last evaluated: 2026-07-07. Review status: criteria provided, single submitter. Criteria: ACMG Guidelines, 2015. Collection method: clinical testing. Allele origin: germline.
Comment: This variant is classified as likely benign based on ACMG/AMP sequence variant interpretation guidelines (Richards et al. 2015 PMID: 25741868, with internal and published modifications).

Labcorp Genetics (formerly Invitae), Labcorp
Classification: Likely benign. Last evaluated: 2025-11-13. Review status: criteria provided, single submitter. Criteria: Invitae Variant Classification Sherloc (09022015). Collection method: clinical testing. Allele origin: germline.

NM_004646.4(NPHS1):c.3627A>G (p.Thr1209=)

Gene: NPHS1 (NPHS1 adhesion molecule, nephrin; minus strand). Cytogenetic location: 19q13.12.
Variant type: single nucleotide variant.
Coding change: c.3627A>G on transcript NM_004646.4 (MANE Select); coding-DNA position 3627, A replaced by G.
Protein change: p.Thr1209=; no amino-acid change (threonine 1209 retained).
Molecular consequence: synonymous variant.
Genome position (GRCh38, 1-based): chr19:35,826,613, T>C on the plus strand (A>G on the coding strand, the complement: NPHS1 is on the minus strand). VCF-style: chr19-35826613-T-C. GRCh37 (hg19) VCF-style: chr19-36317515-T-C.
Identifiers: ClinVar variation 794989 (VCV000794989.11), dbSNP rs150319882, ClinGen allele CA9389681.